The following is an entry in ClinVar:

ClinVar aggregate classification (germline): Uncertain significance (1 of 4 stars; one submission).

Allele frequency attached by ClinVar (database versions not stated): ExAC 0.00001; TOPMed 0.00002; gnomAD 0.00004.
gnomAD v4.1: 17 of 1,613,884 alleles (0.0011%); highest among the groups gnomAD compares: Admixed American, 0.012%; no homozygotes.

Submission:

Labcorp Genetics (formerly Invitae), Labcorp
Classification: Uncertain significance. Last evaluated: 2021-11-08. Review status: criteria provided, single submitter. Criteria: Invitae Variant Classification Sherloc (09022015). Collection method: clinical testing. Allele origin: germline.
Comment: This sequence change replaces arginine, which is basic and polar, with cysteine, which is neutral and slightly polar, at codon 2171 of the CDH23 protein (p.Arg2171Cys). This variant is present in population databases (rs781698111, gnomAD 0.008%). This missense change has been observed in individual(s) with deafness (PMID: 17850630). Algorithms developed to predict the effect of missense changes on protein structure and function output the following: SIFT: "Tolerated"; PolyPhen-2: "Not Available"; Align-GVGD: "Class C0". The cysteine amino acid residue is found in multiple mammalian species, which suggests that this missense change does not adversely affect protein function. In summary, the available evidence is currently insufficient to determine the role of this variant in disease. Therefore, it has been classified as a Variant of Uncertain Significance.

Literature cited by the submitters: PubMed 17850630.

NM_022124.6(CDH23):c.6511C>T (p.Arg2171Cys)

Gene: CDH23 (cadherin related 23; plus strand). Cytogenetic location: 10q22.1.
Variant type: single nucleotide variant.
Coding change: c.6511C>T on transcript NM_022124.6 (MANE Select); coding-DNA position 6511, C replaced by T.
Protein change: p.Arg2171Cys; replaces arginine 2171 with cysteine.
Molecular consequence: missense variant.
Genome position (GRCh38, 1-based): chr10:71,793,439, C>T. VCF-style: chr10-71793439-C-T. GRCh37 (hg19) VCF-style: chr10-73553196-C-T.
Other names: short protein forms R2171C.
Identifiers: ClinVar variation 2136885 (VCV002136885.1), dbSNP rs781698111, ClinGen allele CA5546096.
Genomic context (GRCh38, chr10:71,793,439, plus strand): 5'-ACCGTTCCTCTCTCGGGCACAGCCATTGTCACCATTCTGATCGATGACATCAATGACTCC[C>T]GCCCCGAGTTCCTCAACCCCATCCAGACAGTGAGCGTGCTGGAGTCGGCTGAGCCAGGCA-3'
Protein context (NP_071407.4, residues 2161-2181): TILIDDINDS[Arg2171Cys]PEFLNPIQTV